The following is an entry in ClinVar:

NM_000260.4(MYO7A):c.6439-1G>A

Gene: MYO7A (myosin VIIA; plus strand). Cytogenetic location: 11q13.5.
Variant type: single nucleotide variant.
Coding change: c.6439-1G>A on transcript NM_000260.4 (MANE Select); the canonical splice acceptor site of the intron before coding-DNA position 6439, G replaced by A.
Molecular consequence: splice acceptor variant.
Genome position (GRCh38, 1-based): chr11:77,213,859, G>A. VCF-style: chr11-77213859-G-A. GRCh37 (hg19) VCF-style: chr11-76924904-G-A.
Other names: c.6292-1G>A (NM_001369365.1); c.6319-1G>A (NM_001127180.2).
Identifiers: ClinVar variation 802710 (VCV000802710.9), dbSNP rs1591514873, ClinGen allele CA381937712.

ClinVar aggregate classification (germline): Pathogenic. Review status: criteria provided, multiple submitters, no conflicts (2 of 4 stars). 2 submissions from 2 submitters: Pathogenic (2). Last evaluated 2025-11-15.

Conditions:
Autosomal recessive nonsyndromic hearing loss 2. Also called: NEUROSENSORY NONSYNDROMIC RECESSIVE DEAFNESS 2; DEAFNESS, AUTOSOMAL RECESSIVE 2. Identifiers: Orphanet 90636, MedGen C1838701, MONDO:0010807, OMIM 600060.

Submissions (4):

Labcorp Genetics (formerly Invitae), Labcorp
Classification: Pathogenic. Last evaluated: 2025-11-15. Review status: criteria provided, single submitter. Criteria: Invitae Variant Classification Sherloc (09022015). Collection method: clinical testing. Allele origin: germline.
Comment: This sequence change affects an acceptor splice site in intron 47 of the MYO7A gene. It is expected to disrupt RNA splicing. Variants that disrupt the donor or acceptor splice site typically lead to a loss of protein function (PMID: 16199547), and loss-of-function variants in MYO7A are known to be pathogenic (PMID: 8900236, 25404053). This variant is not present in population databases (gnomAD no frequency). Disruption of this splice site has been observed in individuals with clinical features of Usher syndrome (PMID: 27460420; internal data). ClinVar contains an entry for this variant (Variation ID: 802710). Algorithms developed to predict the effect of sequence changes on RNA splicing suggest that this variant may disrupt the consensus splice site. For these reasons, this variant has been classified as Pathogenic.

Mendelics
Classification: Pathogenic for Autosomal recessive nonsyndromic hearing loss 2. Last evaluated: 2019-05-28. Review status: criteria provided, single submitter. Criteria: Mendelics Assertion Criteria 2017. Collection method: clinical testing. Allele origin: unknown.

Dr. Peter K. Rogan Lab, Western University
No classification provided (evidence only). Condition: Melanoma. Review status: no classification provided. Collection method: in vitro. Allele origin: not applicable. Functional consequence: retained intron. Not counted in ClinVar's aggregate classification.

Dr. Peter K. Rogan Lab, Western University
No classification provided (evidence only). Condition: Melanoma. Review status: no classification provided. Collection method: in vitro. Allele origin: not applicable. Functional consequence: cryptic splice site. Not counted in ClinVar's aggregate classification.

Literature cited by the submitters: PubMed 16199547 (cited by Labcorp Genetics (formerly Invitae), Labcorp); PubMed 8900236 (cited by Labcorp Genetics (formerly Invitae), Labcorp); PubMed 25404053 (cited by Labcorp Genetics (formerly Invitae), Labcorp); PubMed 27460420 (cited by Labcorp Genetics (formerly Invitae), Labcorp).